The following is an entry in ClinVar:

ClinVar aggregate classification (germline): Benign/Likely benign. Review status: criteria provided, multiple submitters, no conflicts (2 of 4 stars). 3 submissions from 3 submitters: Benign (1); Likely benign (2). Last evaluated 2024-05-27.

Conditions:
Familial cancer of breast. Also called: BREAST CANCER, FAMILIAL; Hereditary breast cancer; hereditary breast carcinoma. Identifiers: Orphanet 227535, MedGen C0346153, MONDO:0016419, OMIM 114480. Disease mechanism: loss of function.
Ataxia-telangiectasia syndrome (AT). Also called: Ataxia-telangiectasia; Cerebello-oculocutaneous telangiectasia; Immunodeficiency with ataxia telangiectasia; Ataxia-telangiectasia, complementation group D; AT, COMPLEMENTATION GROUP C; Ataxia telangiectasia (A-T). Identifiers: Orphanet 100, MedGen C0004135, MONDO:0008840, OMIM 208900.
Hereditary cancer-predisposing syndrome. Also called: Hereditary Cancer Syndrome; Hereditary neoplastic syndrome; Neoplastic Syndromes, Hereditary; Tumor predisposition. Identifiers: Orphanet 140162, MedGen C0027672, MeSH D009386, MONDO:0015356.

gnomAD v4.1: 2 of 1,613,278 alleles (0.00012%); highest among the groups gnomAD compares: Non-Finnish European, 0.00017%; no homozygotes.

Submissions (3):

Labcorp Genetics (formerly Invitae), Labcorp
Classification: Likely benign for Ataxia-telangiectasia syndrome. Last evaluated: 2024-05-27. Review status: criteria provided, single submitter. Criteria: Invitae Variant Classification Sherloc (09022015). Collection method: clinical testing. Allele origin: germline.

Myriad Genetics, Inc.
Classification: Benign for Familial cancer of breast. Last evaluated: 2024-04-17. Review status: criteria provided, single submitter. Criteria: Myriad Autosomal Dominant, Autosomal Recessive and X-Linked Classification Criteria (2023). Collection method: clinical testing. Allele origin: unknown.
Comment: This variant is considered benign. This variant is a silent/synonymous amino acid change and it is not expected to impact splicing.

Ambry Genetics
Classification: Likely benign for Hereditary cancer-predisposing syndrome. Last evaluated: 2022-06-01. Review status: criteria provided, single submitter. Criteria: Ambry Variant Classification Scheme 2023. Collection method: clinical testing. Allele origin: germline.

NM_000051.4(ATM):c.135G>C (p.Arg45=)

Gene: ATM (ATM serine/threonine kinase; plus strand). Cytogenetic location: 11q22.3.
Variant type: single nucleotide variant.
Coding change: c.135G>C on transcript NM_000051.4 (MANE Select); coding-DNA position 135, G replaced by C.
Protein change: p.Arg45=; no amino-acid change (arginine 45 retained).
Molecular consequence: synonymous variant.
Genome position (GRCh38, 1-based): chr11:108,227,838, G>C. VCF-style: chr11-108227838-G-C. GRCh37 (hg19) VCF-style: chr11-108098565-G-C.
Other names: c.135G>C, p.Arg45= (NM_001351834.2, NM_001351835.2, NM_001351836.2).
Identifiers: ClinVar variation 1149940 (VCV001149940.12), dbSNP rs970407823, ClinGen allele CA476668074.